The following is an entry in ClinVar:

NM_007194.4(CHEK2):c.1193_1197del (p.Ser398fs)

Gene: CHEK2 (checkpoint kinase 2; minus strand). Cytogenetic location: 22q12.1.
Variant type: Deletion.
Coding change: c.1193_1197del on transcript NM_007194.4 (MANE Select); coding-DNA positions 1193 to 1197, 5 bases deleted (CTGTT; older notation c.1193_1197delCTGTT).
Protein change: p.Ser398fs; shifts the reading frame from serine 398.
Molecular consequence: frameshift variant.
Genome position (GRCh38, 1-based): chr22:28,695,772-28,695,776, AACAG deleted on the plus strand (CTGTT on the coding strand, the reverse complement: CHEK2 is on the minus strand); deleting any 5 consecutive bases within chr22:28,695,772-28,695,778 gives the same sequence; the c. name uses the placement nearest the transcript's 3' end. VCF-style (leftmost placement, unchanged base first): chr22-28695771-CAACAG-C. GRCh37 (hg19) VCF-style: chr22-29091759-CAACAG-C.
Other names: c.1320_1324delTTCTG, p.Ser441Trpfs (NM_001005735.3); c.528_532delTTCTG, p.Ser177Trpfs (NM_001257387.3); c.990_994delTTCTG, p.Ser331Trpfs (NM_001349956.3); c.1104_1108delTTCTG, p.Ser369Trpfs (NM_145862.3); short protein forms S331fs, S398fs, S441fs, S177fs, S369fs.
Identifiers: ClinVar variation 2761045 (VCV002761045.3), dbSNP rs2517806117, ClinGen allele CA2697552656.

ClinVar aggregate classification (germline): Pathogenic (1 of 4 stars; one submission).

Conditions:
Familial cancer of breast. Also called: Hereditary breast cancer; BREAST CANCER, FAMILIAL; hereditary breast carcinoma. Identifiers: Orphanet 227535, MedGen C0346153, MONDO:0016419, OMIM 114480. Disease mechanism: loss of function.

Submission:

Labcorp Genetics (formerly Invitae), Labcorp
Classification: Pathogenic for Familial cancer of breast. Last evaluated: 2023-09-17. Review status: criteria provided, single submitter. Criteria: Invitae Variant Classification Sherloc (09022015). Collection method: clinical testing. Allele origin: germline.
Comment: This sequence change creates a premature translational stop signal (p.Ser398Trpfs*6) in the CHEK2 gene. It is expected to result in an absent or disrupted protein product. Loss-of-function variants in CHEK2 are known to be pathogenic (PMID: 21876083, 24713400). This variant is not present in population databases (gnomAD no frequency). This variant has not been reported in the literature in individuals affected with CHEK2-related conditions. For these reasons, this variant has been classified as Pathogenic.

Literature cited by the submitters: PubMed 21876083; PubMed 24713400.